The following is an entry in ClinVar:

ClinVar aggregate classification (germline): Uncertain significance (1 of 4 stars; one submission).

gnomAD v4.1: 1 of 1,613,560 alleles (0.000062%); highest among the groups gnomAD compares: East Asian, 0.0022%; no homozygotes.

Submission:

GeneDx
Classification: Uncertain significance. Last evaluated: 2025-08-15. Review status: criteria provided, single submitter. Criteria: GeneDx Variant Classification Process June 2021. Collection method: clinical testing. Allele origin: germline. Affected: yes.
Comment: Not observed at significant frequency in large population cohorts (gnomAD); In silico analysis suggests that this missense variant does not alter protein structure/function; Has not been previously published as pathogenic or benign to our knowledge

NM_001190737.2(NFIB):c.736A>G (p.Ser246Gly)

Gene: NFIB (nuclear factor I B; minus strand). Cytogenetic location: 9p23.
Variant type: single nucleotide variant.
Coding change: c.736A>G on transcript NM_001190737.2 (MANE Select); coding-DNA position 736, A replaced by G.
Protein change: p.Ser246Gly; replaces serine 246 with glycine.
Molecular consequence: missense variant. On other transcripts: 5 prime UTR variant (1), non-coding transcript variant (4).
Genome position (GRCh38, 1-based): chr9:14,150,215, T>C on the plus strand (A>G on the coding strand, the complement: NFIB is on the minus strand). VCF-style: chr9-14150215-T-C. GRCh37 (hg19) VCF-style: chr9-14150214-T-C.
Other names: c.814A>G, p.Ser272Gly (NM_001190738.2); c.-21A>G (NM_001282787.2); c.802A>G, p.Ser268Gly (NM_001369458.1, NM_001369459.1, NM_001369462.1 and 1 more transcripts); c.724A>G, p.Ser242Gly (NM_001369460.1, NM_001369463.1, NM_001369466.1 and 2 more transcripts); c.736A>G, p.Ser246Gly (NM_001369461.1, NM_001369464.1, NM_001369471.1 and 2 more transcripts); c.709A>G, p.Ser237Gly (NM_001369465.1, NM_001369467.1, NM_001369476.1); c.592A>G, p.Ser198Gly (NM_001369469.1); c.499A>G, p.Ser167Gly (NM_001369470.1, NM_001369478.1); and 4 more; short protein forms S67G, S167G, S198G, S268G, S171G, S228G, S237G, S241G.
Identifiers: ClinVar variation 4795545 (VCV004795545.1).